The following is an entry in ClinVar:

ClinVar aggregate classification (germline): Uncertain significance (1 of 4 stars; one submission).

Submission:

Labcorp Genetics (formerly Invitae), Labcorp
Classification: Uncertain significance. Last evaluated: 2024-03-01. Review status: criteria provided, single submitter. Criteria: Invitae Variant Classification Sherloc (09022015). Collection method: clinical testing. Allele origin: germline.
Comment: This variant, c.2945_2947del, results in the deletion of 1 amino acid(s) of the ZNF687 protein (p.Met982del), but otherwise preserves the integrity of the reading frame. This variant is present in population databases (rs771421285, gnomAD 0.003%). This variant has not been reported in the literature in individuals affected with ZNF687-related conditions. Experimental studies and prediction algorithms are not available or were not evaluated, and the functional significance of this variant is currently unknown. In summary, the available evidence is currently insufficient to determine the role of this variant in disease. Therefore, it has been classified as a Variant of Uncertain Significance.

NM_020832.3(ZNF687):c.2945_2947del (p.Met982del)

Gene: ZNF687 (zinc finger protein 687; plus strand). Cytogenetic location: 1q21.3.
Variant type: Deletion.
Coding change: c.2945_2947del on transcript NM_020832.3 (MANE Select); coding-DNA positions 2945 to 2947, 3 bases deleted (TGA; older notation c.2945_2947delTGA).
Protein change: p.Met982del; deletes methionine 982.
Genome position (GRCh38, 1-based): chr1:151,289,988-151,289,990, TGA deleted; deleting any 3 consecutive bases within chr1:151,289,987-151,289,990 gives the same sequence; the c. name uses the placement nearest the transcript's 3' end. VCF-style (leftmost placement, unchanged base first): chr1-151289986-CATG-C. GRCh37 (hg19) VCF-style: chr1-151262462-CATG-C.
Other names: c.2945_2947del, p.Met982del (NM_001304763.2, NM_001304764.2); short protein forms M982del.
Identifiers: ClinVar variation 3675659 (VCV003675659.2).